The following is an entry in ClinVar:

NM_206933.4(USH2A):c.2099_2120del (p.Gly700fs)

Gene: USH2A (usherin; minus strand). Cytogenetic location: 1q41.
Variant type: Deletion.
Coding change: c.2099_2120del on transcript NM_206933.4 (MANE Select); coding-DNA positions 2099 to 2120, 22 bases deleted (GGACAGTGGATGGAGATATTAC).
Protein change: p.Gly700fs; shifts the reading frame from glycine 700.
Molecular consequence: frameshift variant.
Genome position (GRCh38, 1-based): chr1:216,250,950-216,250,971, GTAATATCTCCATCCACTGTCC deleted on the plus strand (GGACAGTGGATGGAGATATTAC on the coding strand, the reverse complement: USH2A is on the minus strand). VCF-style (leftmost placement, unchanged base first): chr1-216250949-GGTAATATCTCCATCCACTGTCC-G. GRCh37 (hg19) VCF-style: chr1-216424291-GGTAATATCTCCATCCACTGTCC-G.
Other names: c.2099_2120del, p.Gly700fs (NM_007123.6); short protein forms G700fs.
Identifiers: ClinVar variation 2814611 (VCV002814611.4), dbSNP rs1558344312, ClinGen allele CA529002744.

ClinVar aggregate classification (germline): Pathogenic/Likely pathogenic. Review status: criteria provided, multiple submitters, no conflicts (2 of 4 stars). 2 submissions from 2 submitters: Pathogenic (1); Likely pathogenic (1). Last evaluated 2024-02-22.

Conditions:
Retinitis pigmentosa 39 (RP39). Identifiers: Orphanet 791, MedGen C3151138, MONDO:0013436, OMIM 613809.

Submissions (2):

Baylor Genetics
Classification: Likely pathogenic for Retinitis pigmentosa 39. Last evaluated: 2024-02-22. Review status: criteria provided, single submitter. Criteria: ACMG Guidelines, 2015. Collection method: clinical testing. Allele origin: unknown.

Labcorp Genetics (formerly Invitae), Labcorp
Classification: Pathogenic. Last evaluated: 2022-11-15. Review status: criteria provided, single submitter. Criteria: Invitae Variant Classification Sherloc (09022015). Collection method: clinical testing. Allele origin: germline.
Comment: For these reasons, this variant has been classified as Pathogenic. This variant has not been reported in the literature in individuals affected with USH2A-related conditions. This variant is present in population databases (no rsID available, gnomAD 0.003%). This sequence change creates a premature translational stop signal (p.Gly700Alafs*49) in the USH2A gene. It is expected to result in an absent or disrupted protein product. Loss-of-function variants in USH2A are known to be pathogenic (PMID: 10729113, 10909849, 20507924, 25649381).

Literature cited by the submitters: PubMed 10729113 (cited by Labcorp Genetics (formerly Invitae), Labcorp); PubMed 10909849 (cited by Labcorp Genetics (formerly Invitae), Labcorp); PubMed 20507924 (cited by Labcorp Genetics (formerly Invitae), Labcorp); PubMed 25649381 (cited by Labcorp Genetics (formerly Invitae), Labcorp).